The following is an entry in ClinVar:

ClinVar aggregate classification (germline): Uncertain significance (1 of 4 stars; one submission).

Allele frequency attached by ClinVar (database versions not stated): gnomAD 0.00004; TOPMed 0.00004; ESP Exome Variant Server 0.00008; 1000 Genomes Project 30x 0.00016; 1000 Genomes Project 0.00020.
gnomAD v4.1: 10 of 1,612,608 alleles (0.00062%); highest among the groups gnomAD compares: African/African-American, 0.013%; no homozygotes.

Submission:

Labcorp Genetics (formerly Invitae), Labcorp
Classification: Uncertain significance. Last evaluated: 2022-02-08. Review status: criteria provided, single submitter. Criteria: Invitae Variant Classification Sherloc (09022015). Collection method: clinical testing. Allele origin: germline.
Comment: This sequence change replaces valine, which is neutral and non-polar, with alanine, which is neutral and non-polar, at codon 13 of the CTSB protein (p.Val13Ala). This variant is present in population databases (rs200211618, gnomAD 0.03%). This variant has not been reported in the literature in individuals affected with CTSB-related conditions. Algorithms developed to predict the effect of missense changes on protein structure and function output the following: SIFT: "Not Available"; PolyPhen-2: "Benign"; Align-GVGD: "Not Available". The alanine amino acid residue is found in multiple mammalian species, which suggests that this missense change does not adversely affect protein function. In summary, the available evidence is currently insufficient to determine the role of this variant in disease. Therefore, it has been classified as a Variant of Uncertain Significance.

NM_001908.5(CTSB):c.38T>C (p.Val13Ala)

Genes: CTSB (cathepsin B), LOC121268921 (Sharpr-MPRA regulatory region 10233). Cytogenetic location: 8p23.1.
Variant type: single nucleotide variant.
Coding change: c.38T>C on transcript NM_001908.5 (MANE Select); coding-DNA position 38, T replaced by C.
Protein change: p.Val13Ala; replaces valine 13 with alanine.
Molecular consequence: missense variant. On other transcripts: 5 prime UTR variant (1).
Genome position (GRCh38, 1-based): chr8:11,853,417, A>G on the plus strand (T>C on the coding strand, the complement: CTSB is on the minus strand). VCF-style: chr8-11853417-A-G. GRCh37 (hg19) VCF-style: chr8-11710926-A-G.
Other names: c.-216T>C (NM_001317237.2); c.38T>C, p.Val13Ala (NM_001384714.1, NM_001384723.1, NM_001384724.1 and 8 more transcripts); short protein forms V13A.
Identifiers: ClinVar variation 1372354 (VCV001372354.8), dbSNP rs200211618, ClinGen allele CA4633221.